The following is an entry in ClinVar:

NM_000490.5(AVP):c.207G>A (p.Thr69=)

Gene: AVP (arginine vasopressin; minus strand). Cytogenetic location: 20p13.
Variant type: single nucleotide variant.
Coding change: c.207G>A on transcript NM_000490.5 (MANE Select); coding-DNA position 207, G replaced by A.
Protein change: p.Thr69=; no amino-acid change (threonine 69 retained).
Molecular consequence: synonymous variant.
Genome position (GRCh38, 1-based): chr20:3,083,092, C>T on the plus strand (G>A on the coding strand, the complement: AVP is on the minus strand). VCF-style: chr20-3083092-C-T. GRCh37 (hg19) VCF-style: chr20-3063738-C-T.
Identifiers: ClinVar variation 4985991 (VCV004985991.1).

ClinVar aggregate classification (germline): Likely benign (1 of 4 stars; one submission).

Conditions:
AVP-related disorder. Also called: AVP-related condition.

Submission:

PreventionGenetics, part of Exact Sciences
Classification: Likely benign for AVP-related condition. Last evaluated: 2025-06-26. Review status: criteria provided, single submitter. Criteria: ACMG Guidelines, 2015. Collection method: clinical testing. Allele origin: germline.
Comment: This variant is classified as likely benign based on ACMG/AMP sequence variant interpretation guidelines (Richards et al. 2015 PMID: 25741868, with internal and published modifications).